The following is an entry in ClinVar:

NM_003500.4(ACOX2):c.732G>A (p.Lys244=)

Gene: ACOX2 (acyl-CoA oxidase 2; minus strand). Cytogenetic location: 3p14.3.
Variant type: single nucleotide variant.
Coding change: c.732G>A on transcript NM_003500.4 (MANE Select); coding-DNA position 732, G replaced by A.
Protein change: p.Lys244=; no amino-acid change (lysine 244 retained).
Molecular consequence: synonymous variant.
Genome position (GRCh38, 1-based): chr3:58,531,338, C>T on the plus strand (G>A on the coding strand, the complement: ACOX2 is on the minus strand). VCF-style: chr3-58531338-C-T. GRCh37 (hg19) VCF-style: chr3-58517065-C-T.
Identifiers: ClinVar variation 3356505 (VCV003356505.1).

ClinVar aggregate classification (germline): Likely benign (0 of 4 stars; one submission).

Conditions:
ACOX2-related disorder. Also called: ACOX2-related condition.

gnomAD v4.1: 22 of 1,613,958 alleles (0.0014%); highest among the groups gnomAD compares: Non-Finnish European, 0.0019%; no homozygotes.

Submission:

PreventionGenetics, part of Exact Sciences
Classification: Likely benign for ACOX2-related condition. Last evaluated: 2024-03-08. Review status: no assertion criteria provided. Collection method: clinical testing. Allele origin: germline.
Comment: This variant is classified as likely benign based on ACMG/AMP sequence variant interpretation guidelines (Richards et al. 2015 PMID: 25741868, with internal and published modifications).